The following is an entry in ClinVar:

NM_000548.5(TSC2):c.5130C>G (p.Phe1710Leu)

Gene: TSC2 (TSC complex subunit 2; plus strand). Cytogenetic location: 16p13.3.
Variant type: single nucleotide variant.
Coding change: c.5130C>G on transcript NM_000548.5 (MANE Select); coding-DNA position 5130, C replaced by G.
Protein change: p.Phe1710Leu; replaces phenylalanine 1710 with leucine.
Molecular consequence: missense variant. On other transcripts: non-coding transcript variant (5).
Genome position (GRCh38, 1-based): chr16:2,088,109, C>G. VCF-style: chr16-2088109-C-G. GRCh37 (hg19) VCF-style: chr16-2138110-C-G.
Other names: c.4929C>G, p.Phe1643Leu (NM_001077183.3); c.5061C>G, p.Phe1687Leu (NM_001114382.3); c.4821C>G, p.Phe1607Leu (NM_001318827.2); c.4785C>G, p.Phe1595Leu (NM_001318829.2); c.4398C>G, p.Phe1466Leu (NM_001318831.2); c.4962C>G, p.Phe1654Leu (NM_001318832.2); c.4932C>G, p.Phe1644Leu (NM_001363528.2); c.4998C>G, p.Phe1666Leu (NM_001370404.1); and 26 more; short protein forms F1109L, F1196L, F1239L, F1486L, F1510L, F1594L, F1606L, F1607L.
Identifiers: ClinVar variation 2750802 (VCV002750802.4), dbSNP rs760978505, ClinGen allele CA394312448.

ClinVar aggregate classification (germline): Uncertain significance. Review status: criteria provided, multiple submitters, no conflicts (2 of 4 stars). 2 submissions from 2 submitters: Uncertain significance (2). Last evaluated 2025-12-22.

Conditions:
Tuberous sclerosis 2 (TSC2). Identifiers: Orphanet 805, MedGen C1860707, MONDO:0013199, OMIM 613254.
Hereditary cancer-predisposing syndrome. Also called: Hereditary Cancer Syndrome; Tumor predisposition; Hereditary neoplastic syndrome; Neoplastic Syndromes, Hereditary. Identifiers: Orphanet 140162, MedGen C0027672, MeSH D009386, MONDO:0015356.

Submissions (2):

Labcorp Genetics (formerly Invitae), Labcorp
Classification: Uncertain significance for Tuberous sclerosis 2. Last evaluated: 2025-12-22. Review status: criteria provided, single submitter. Criteria: Invitae Variant Classification Sherloc (09022015). Collection method: clinical testing. Allele origin: germline.
Comment: This sequence change replaces phenylalanine, which is neutral and non-polar, with leucine, which is neutral and non-polar, at codon 1710 of the TSC2 protein (p.Phe1710Leu). This variant is not present in population databases (gnomAD no frequency). This variant has not been reported in the literature in individuals affected with TSC2-related conditions. ClinVar contains an entry for this variant (Variation ID: 2750802). Invitae Evidence Modeling of protein sequence and biophysical properties (such as structural, functional, and spatial information, amino acid conservation, physicochemical variation, residue mobility, and thermodynamic stability) indicates that this missense variant is not expected to disrupt TSC2 protein function with a negative predictive value of 95%. In summary, the available evidence is currently insufficient to determine the role of this variant in disease. Therefore, it has been classified as a Variant of Uncertain Significance.

Ambry Genetics
Classification: Uncertain significance for Hereditary cancer-predisposing syndrome. Last evaluated: 2024-03-28. Review status: criteria provided, single submitter. Criteria: Ambry Variant Classification Scheme 2023. Collection method: clinical testing. Allele origin: germline.
Comment: The p.F1710L variant (also known as c.5130C>G), located in coding exon 39 of the TSC2 gene, results from a C to G substitution at nucleotide position 5130. The phenylalanine at codon 1710 is replaced by leucine, an amino acid with highly similar properties. This amino acid position is conserved. In addition, the in silico prediction for this alteration is inconclusive. Based on the available evidence, the clinical significance of this alteration remains unclear.